The following is an entry in ClinVar:

ClinVar aggregate classification (germline): Uncertain significance. Review status: criteria provided, multiple submitters, no conflicts (2 of 4 stars). 3 submissions from 3 submitters: Uncertain significance (3). Last evaluated 2019-01-01.

Conditions:
Developmental and epileptic encephalopathy, 12 (DEE12). Identifiers: MedGen C3150988, MONDO:0013389, OMIM 613722.
Microcephaly, seizures, and developmental delay. Identifiers: Orphanet 1934, MedGen C3150667, MONDO:0013254, OMIM 613402.

Allele frequency attached by ClinVar (database versions not stated): TOPMed below 0.00001; gnomAD exomes 0.00001; ExAC 0.00003; ESP Exome Variant Server 0.00023.

Submissions (3):

Institute of Human Genetics, University of Leipzig Medical Center
Classification: Uncertain significance for Microcephaly, seizures, and developmental delay. Last evaluated: 2019-01-01. Review status: criteria provided, single submitter. Criteria: ACMG Guidelines, 2015. Collection method: clinical testing. Allele origin: unknown. Affected: yes.

Labcorp Genetics (formerly Invitae), Labcorp
Classification: Uncertain significance for Developmental and epileptic encephalopathy, 12. Last evaluated: 2018-05-03. Review status: criteria provided, single submitter. Criteria: Invitae Variant Classification Sherloc (09022015). Collection method: clinical testing. Allele origin: germline.
Comment: This sequence change affects codon 166 of the PNKP mRNA. It is a 'silent' change, meaning that it does not change the encoded amino acid sequence of the PNKP protein. This variant also falls at the last nucleotide of exon 4 of the PNKP coding sequence, which is part of the consensus splice site for this exon. This variant is present in population databases (rs141251138, ExAC 0.005%). This variant has not been reported in the literature in individuals with PNKP-related disease. ClinVar contains an entry for this variant (Variation ID:¬†211920). Nucleotide substitutions within the consensus splice site are a relatively common cause of aberrant splicing (PMID: 17576681, 9536098). Algorithms developed to predict the effect of sequence changes on RNA splicing suggest that this variant may disrupt the consensus splice site, but this prediction has not been confirmed by published transcriptional studies. In summary, the available evidence is currently insufficient to determine the role of this variant in disease. Therefore, it has been classified as a Variant of Uncertain Significance.

Genetic Services Laboratory, University of Chicago
Classification: Uncertain significance. Last evaluated: 2014-08-29. Review status: criteria provided, single submitter. Criteria: ACMG Guidelines, 2015. Collection method: clinical testing. Allele origin: germline.

Literature cited by the submitters: PubMed 17576681 (cited by Labcorp Genetics (formerly Invitae), Labcorp); PubMed 9536098 (cited by Labcorp Genetics (formerly Invitae), Labcorp).

NM_007254.4(PNKP):c.498G>A (p.Lys166=)

Gene: PNKP (polynucleotide kinase 3'-phosphatase; minus strand). Cytogenetic location: 19q13.33.
Variant type: single nucleotide variant.
Coding change: c.498G>A on transcript NM_007254.4 (MANE Select); coding-DNA position 498, G replaced by A.
Protein change: p.Lys166=; no amino-acid change (lysine 166 retained).
Molecular consequence: synonymous variant.
Genome position (GRCh38, 1-based): chr19:49,865,127, C>T on the plus strand (G>A on the coding strand, the complement: PNKP is on the minus strand). VCF-style: chr19-49865127-C-T. GRCh37 (hg19) VCF-style: chr19-50368384-C-T.
Identifiers: ClinVar variation 211920 (VCV000211920.9), dbSNP rs141251138, ClinGen allele CA206581.
Genomic context (GRCh38, chr19:49,865,127, plus strand): 5'-CAAACGTGGGATTGGGTCCCAGTCTGTGGCGGCTCCCTCAGCCCTCGGCGTGGCCCTCAC[C>T]TTGCCCTGGGGTTTCACCCCAGCTGCGGTGAACACTAGCAACTTCTCCAAGTTCTCCCAG-3'
Protein context (NP_009185.2, residues 156-176): FTAAGVKPQG[Lys166=]VAGFDLDGTL